The following is an entry in ClinVar:

NM_183235.3(RAB27A):c.425T>C (p.Val142Ala)

Gene: RAB27A (RAB27A, member RAS oncogene family; minus strand). Cytogenetic location: 15q21.3.
Variant type: single nucleotide variant.
Coding change: c.425T>C on transcript NM_183235.3 (MANE Select); coding-DNA position 425, T replaced by C.
Protein change: p.Val142Ala; replaces valine 142 with alanine.
Molecular consequence: missense variant.
Genome position (GRCh38, 1-based): chr15:55,223,931, A>G on the plus strand (T>C on the coding strand, the complement: RAB27A is on the minus strand). VCF-style: chr15-55223931-A-G. GRCh37 (hg19) VCF-style: chr15-55516129-A-G.
Other names: c.425T>C, p.Val142Ala (NM_004580.5, NM_183234.3, NM_183236.3); short protein forms V142A.
Identifiers: ClinVar variation 856012 (VCV000856012.9), dbSNP rs569221128, ClinGen allele CA7573575.
Genomic context (GRCh38, chr15:55,223,931, plus strand): 5'-CTCCACAAAAATACTCACCCATATTTCTCTGCGAGTGCTATGGCTTCCTCCTCTTTCACT[A>G]CTCTCTGGTCCTCCAGATCACTCTTGTTTCCACACAGCACTATATCTGGGTTTTCACAAT-3'
Protein context (NP_899058.1, residues 132-152): GNKSDLEDQR[Val142Ala]VKEEEAIALA

ClinVar aggregate classification (germline): Uncertain significance (1 of 4 stars; one submission).

Conditions:
Griscelli syndrome type 2 (GS2). Also called: GRISCELLI SYNDROME WITH HEMOPHAGOCYTIC SYNDROME; PAID SYNDROME; PARTIAL ALBINISM AND IMMUNODEFICIENCY SYNDROME. Identifiers: Orphanet 381, Orphanet 79477, MedGen C1868679, MONDO:0011872, OMIM 607624.

Allele frequency attached by ClinVar (database versions not stated): gnomAD exomes below 0.00001; TOPMed below 0.00001; gnomAD 0.00001; ExAC 0.00002; 1000 Genomes Project 0.00040; 1000 Genomes Project 30x 0.00062.
gnomAD v4.1: 3 of 1,613,550 alleles (0.00019%); highest among the groups gnomAD compares: Admixed American, 0.005%; no homozygotes.

Submission:

Labcorp Genetics (formerly Invitae), Labcorp
Classification: Uncertain significance for Griscelli syndrome type 2. Last evaluated: 2024-10-28. Review status: criteria provided, single submitter. Criteria: Invitae Variant Classification Sherloc (09022015). Collection method: clinical testing. Allele origin: germline.
Comment: This sequence change replaces valine, which is neutral and non-polar, with alanine, which is neutral and non-polar, at codon 142 of the RAB27A protein (p.Val142Ala). This variant is present in population databases (rs569221128, gnomAD 0.006%). This variant has not been reported in the literature in individuals affected with RAB27A-related conditions. ClinVar contains an entry for this variant (Variation ID: 856012). Invitae Evidence Modeling of protein sequence and biophysical properties (such as structural, functional, and spatial information, amino acid conservation, physicochemical variation, residue mobility, and thermodynamic stability) indicates that this missense variant is not expected to disrupt RAB27A protein function with a negative predictive value of 95%. In summary, the available evidence is currently insufficient to determine the role of this variant in disease. Therefore, it has been classified as a Variant of Uncertain Significance.